The following is an entry in ClinVar:

ClinVar aggregate classification (germline): Uncertain significance (1 of 4 stars; one submission).

Submission:

Labcorp Genetics (formerly Invitae), Labcorp
Classification: Uncertain significance. Last evaluated: 2024-09-08. Review status: criteria provided, single submitter. Criteria: Invitae Variant Classification Sherloc (09022015). Collection method: clinical testing. Allele origin: germline.
Comment: This sequence change disrupts the translational stop signal of the RAX2 mRNA. It is expected to extend the length of the RAX2 protein by 21 additional amino acid residues. This variant is not present in population databases (gnomAD no frequency). This variant has not been reported in the literature in individuals affected with RAX2-related conditions. Experimental studies and prediction algorithms are not available or were not evaluated, and the functional significance of this variant is currently unknown. In summary, the available evidence is currently insufficient to determine the role of this variant in disease. Therefore, it has been classified as a Variant of Uncertain Significance.

NM_001319074.4(RAX2):c.555A>G (p.Ter185Trp)

Gene: RAX2 (retina and anterior neural fold homeobox 2; minus strand). Cytogenetic location: 19p13.3.
Variant type: single nucleotide variant.
Coding change: c.555A>G on transcript NM_001319074.4 (MANE Select); coding-DNA position 555, A replaced by G.
Protein change: p.Ter185Trp.
Molecular consequence: stop lost.
Genome position (GRCh38, 1-based): chr19:3,770,621, T>C on the plus strand (A>G on the coding strand, the complement: RAX2 is on the minus strand). VCF-style: chr19-3770621-T-C. GRCh37 (hg19) VCF-style: chr19-3770619-T-C.
Other names: c.555A>G, p.Ter185Trp (NM_032753.4).
Identifiers: ClinVar variation 3666922 (VCV003666922.2).